The following is an entry in ClinVar:

NM_000093.5(COL5A1):c.4608+3G>T

Genes: COL5A1 (collagen type V alpha 1 chain; plus strand), LOC101448202 (uncharacterized LOC101448202; minus strand). Cytogenetic location: 9q34.3.
Variant type: single nucleotide variant.
Coding change: c.4608+3G>T on transcript NM_000093.5 (MANE Select); 3 bases into the intron after coding-DNA position 4608, G replaced by T.
Molecular consequence: intron variant.
Genome position (GRCh38, 1-based): chr9:134,822,153, G>T. VCF-style: chr9-134822153-G-T. GRCh37 (hg19) VCF-style: chr9-137713999-G-T.
Other names: c.4608+3G>T (NM_001278074.1).
Identifiers: ClinVar variation 1511805 (VCV001511805.6), dbSNP rs1164584886, ClinGen allele CA860877865.

ClinVar aggregate classification (germline): Uncertain significance (1 of 4 stars; one submission).

Conditions:
Ehlers-Danlos syndrome, classic type, 1 (EDSCL1). Also called: EHLERS-DANLOS SYNDROME, GRAVIS TYPE; EHLERS-DANLOS SYNDROME, SEVERE CLASSIC TYPE; Ehlers-Danlos syndrome, type 1; Ehlers-Danlos Syndrome, Classic Type, COL5A1-Related; EDS I. Identifiers: MedGen C0268335, MONDO:0019567, OMIM 130000.

Allele frequency attached by ClinVar (database versions not stated): TOPMed below 0.00001; gnomAD 0.00001.
gnomAD v4.1: 1 of 1,582,082 alleles (0.000063%); highest among the groups gnomAD compares: Non-Finnish European, 0.000086%; no homozygotes.

Submission:

Labcorp Genetics (formerly Invitae), Labcorp
Classification: Uncertain significance for Ehlers-Danlos syndrome, classic type, 1. Last evaluated: 2020-12-25. Review status: criteria provided, single submitter. Criteria: Invitae Variant Classification Sherloc (09022015). Collection method: clinical testing. Allele origin: germline.
Comment: In summary, the available evidence is currently insufficient to determine the role of this variant in disease. Therefore, it has been classified as a Variant of Uncertain Significance. Nucleotide substitutions within the consensus splice site are a relatively common cause of aberrant splicing (PMID: 17576681, 9536098). Algorithms developed to predict the effect of sequence changes on RNA splicing suggest that this variant may disrupt the consensus splice site, but this prediction has not been confirmed by published transcriptional studies. This variant has not been reported in the literature in individuals with COL5A1-related conditions. This variant is not present in population databases (ExAC no frequency). This sequence change falls in intron 59 of the COL5A1 gene. It does not directly change the encoded amino acid sequence of the COL5A1 protein. It affects a nucleotide within the consensus splice site of the intron.

Literature cited by the submitters: PubMed 17576681; PubMed 9536098.